The following is an entry in ClinVar:

NM_001199138.2(NLRC4):c.1628A>C (p.Gln543Pro)

Gene: NLRC4 (NLR family CARD domain containing 4; minus strand). Cytogenetic location: 2p22.3.
Variant type: single nucleotide variant.
Coding change: c.1628A>C on transcript NM_001199138.2 (MANE Select); coding-DNA position 1628, A replaced by C.
Protein change: p.Gln543Pro; replaces glutamine 543 with proline.
Molecular consequence: missense variant. On other transcripts: intron variant (1).
Genome position (GRCh38, 1-based): chr2:32,250,236, T>G on the plus strand (A>C on the coding strand, the complement: NLRC4 is on the minus strand). VCF-style: chr2-32250236-T-G. GRCh37 (hg19) VCF-style: chr2-32475305-T-G.
Other names: c.1628A>C, p.Gln543Pro (NM_001199139.2, NM_021209.5); c.262+2183A>C (NM_001302504.1); short protein forms Q543P.
Identifiers: ClinVar variation 860903 (VCV000860903.13), dbSNP rs148732979, ClinGen allele CA1601955.
Genomic context (GRCh38, chr2:32,250,236, plus strand): 5'-TGATATAAATGGATGCCACACTCTACAAAGGAATTGATGTTTATGGCTTTCAGAATTTCT[T>G]GCTCAGTGGTGTTTTTCACACTTTGCAAAGATTCCTGTCTCCAGAGAGGCCTCTTGGCGA-3'
Protein context (NP_001186067.1, residues 533-553): SLQSVKNTTE[Gln543Pro]EILKAININS

ClinVar aggregate classification (germline): Uncertain significance. Review status: criteria provided, multiple submitters, no conflicts (2 of 4 stars). 3 submissions from 3 submitters: Uncertain significance (3). Last evaluated 2024-10-24.

Conditions:
Familial cold autoinflammatory syndrome 4 (FCAS4). Identifiers: Orphanet 47045, Orphanet 576349, MedGen C4015276, MONDO:0014498, OMIM 616115.
Periodic fever-infantile enterocolitis-autoinflammatory syndrome. Also called: Autoinflammation with infantile enterocolitis. Identifiers: Orphanet 436166, MedGen C4015067, MONDO:0014472, OMIM 616050.
Inborn genetic diseases. Identifiers: MedGen C0950123, MeSH D030342.

Allele frequency attached by ClinVar (database versions not stated): gnomAD exomes 0.00001; ESP Exome Variant Server 0.00008; ExAC 0.00001; gnomAD 0.00004 and 0.00005; TOPMed 0.00004.
gnomAD v4.1: 32 of 1,614,082 alleles (0.002%); highest among the groups gnomAD compares: African/African-American, 0.021%; 1 homozygote.

Submissions (3):

Labcorp Genetics (formerly Invitae), Labcorp
Classification: Uncertain significance for Periodic fever-infantile enterocolitis-autoinflammatory syndrome; Familial cold autoinflammatory syndrome 4. Last evaluated: 2024-10-24. Review status: criteria provided, single submitter. Criteria: Invitae Variant Classification Sherloc (09022015). Collection method: clinical testing. Allele origin: germline.
Comment: This sequence change replaces glutamine, which is neutral and polar, with proline, which is neutral and non-polar, at codon 543 of the NLRC4 protein (p.Gln543Pro). This variant is present in population databases (rs148732979, gnomAD 0.002%). This variant has not been reported in the literature in individuals affected with NLRC4-related conditions. ClinVar contains an entry for this variant (Variation ID: 860903). Invitae Evidence Modeling of protein sequence and biophysical properties (such as structural, functional, and spatial information, amino acid conservation, physicochemical variation, residue mobility, and thermodynamic stability) indicates that this missense variant is not expected to disrupt NLRC4 protein function with a negative predictive value of 80%. In summary, the available evidence is currently insufficient to determine the role of this variant in disease. Therefore, it has been classified as a Variant of Uncertain Significance.

Ambry Genetics
Classification: Uncertain significance for Inborn genetic diseases. Last evaluated: 2022-12-14. Review status: criteria provided, single submitter. Criteria: Ambry Variant Classification Scheme 2023. Collection method: clinical testing. Allele origin: germline.

GeneDx
Classification: Uncertain significance. Last evaluated: 2021-12-09. Review status: criteria provided, single submitter. Criteria: GeneDx Variant Classification Process June 2021. Collection method: clinical testing. Allele origin: germline. Affected: yes.
Comment: In silico analysis supports that this missense variant does not alter protein structure/function; Has not been previously published as pathogenic or benign to our knowledge